The following is an entry in ClinVar:

ClinVar aggregate classification (germline): Uncertain significance (1 of 4 stars; one submission).

Submission:

Labcorp Genetics (formerly Invitae), Labcorp
Classification: Uncertain significance. Last evaluated: 2025-10-19. Review status: criteria provided, single submitter. Criteria: Invitae Variant Classification Sherloc (09022015). Collection method: clinical testing. Allele origin: germline.
Comment: This variant, c.765_767dup, results in the insertion of 1 amino acid(s) of the SIPA1L3 protein (p.Gly256dup), but otherwise preserves the integrity of the reading frame. This variant is present in population databases (rs763023709, gnomAD 0.06%), and has an allele count higher than expected for a pathogenic variant. This variant has not been reported in the literature in individuals affected with SIPA1L3-related conditions. Experimental studies and prediction algorithms are not available or were not evaluated, and the functional significance of this variant is currently unknown. In summary, the available evidence is currently insufficient to determine the role of this variant in disease. Therefore, it has been classified as a Variant of Uncertain Significance.

NM_015073.3(SIPA1L3):c.759CGG[4] (p.Gly256dup)

Gene: SIPA1L3 (signal induced proliferation associated 1 like 3; plus strand). Cytogenetic location: 19q13.13.
Variant type: Microsatellite.
Coding change: c.759CGG[4] on transcript NM_015073.3 (MANE Select); four copies in a row of the 3-base unit CGG starting at c.759; the reference has three copies in a row; one copy, 3 bases duplicated.
Protein change: p.Gly256dup; duplicates glycine 256.
Molecular consequence: inframe insertion.
Genome position (GRCh38, 1-based): chr19:38,082,330-38,082,332, CGG duplicated; duplicating any 3 consecutive bases within chr19:38,082,322-38,082,332 gives the same sequence; the position shown is the placement nearest the transcript's 3' end. VCF-style (leftmost placement, unchanged base first): chr19-38082321-G-GGGC. GRCh37 (hg19) VCF-style: chr19-38572961-G-GGGC.
Identifiers: ClinVar variation 1368132 (VCV001368132.6), dbSNP rs763023709, ClinGen allele CA9409190.